The following is an entry in ClinVar:

NM_001145512.2(NFIA):c.40G>A (p.Val14Met)

Genes: NFIA (nuclear factor I A; plus strand), LOC122056894 (Sharpr-MPRA regulatory region 5981; plus strand). Cytogenetic location: 1p31.3.
Variant type: single nucleotide variant.
Coding change: c.40G>A on transcript NM_001145512.2; coding-DNA position 40, G replaced by A.
Protein change: p.Val14Met; replaces valine 14 with methionine.
Molecular consequence: missense variant. On other transcripts: intron variant (1).
Genome position (GRCh38, 1-based): chr1:61,081,983, G>A. VCF-style: chr1-61081983-G-A. GRCh37 (hg19) VCF-style: chr1-61547655-G-A.
Other names: c.3+4355G>A (NM_001145511.2); short protein forms V14M.
Identifiers: ClinVar variation 3030877 (VCV003030877.2), dbSNP rs144213945, ClinGen allele CA880867.
Genomic context (GRCh38, chr1:61,081,983, plus strand): 5'-TTTTCAAAGAAATTTGCATACATGCAAATGTGCCGCCCGGCCTCCTCCTCGGTTCTCTAC[G>A]TGCCCACGCGGTGGCCCGGGGGGTGCGGGGCAACCTGGCAAAGTTGCCCAAGTCCTCCAC-3'

ClinVar aggregate classification (germline): Likely benign (0 of 4 stars; one submission).

Conditions:
NFIA-Related Disorder. Also called: NFIA-related condition; NFIA-related disorders. Identifiers: MedGen CN381099.

Allele frequency attached by ClinVar (database versions not stated): 1000 Genomes Project 0.00060; 1000 Genomes Project 30x 0.00109; ExAC 0.00013.
gnomAD v4.1: 63 of 1,550,616 alleles (0.0041%); highest among the groups gnomAD compares: African/African-American, 0.063%; no homozygotes.

Submission:

PreventionGenetics, part of Exact Sciences
Classification: Likely benign for NFIA-related condition. Last evaluated: 2023-02-28. Review status: no assertion criteria provided. Collection method: clinical testing. Allele origin: germline.
Comment: This variant is classified as likely benign based on ACMG/AMP sequence variant interpretation guidelines (Richards et al. 2015 PMID: 25741868, with internal and published modifications).